The following is an entry in ClinVar:

ClinVar aggregate classification (germline): Uncertain significance. Review status: criteria provided, multiple submitters, no conflicts (2 of 4 stars). 2 submissions from 2 submitters: Uncertain significance (2). Last evaluated 2025-05-05.

Conditions:
Inborn genetic diseases. Identifiers: MedGen C0950123, MeSH D030342.

Allele frequency attached by ClinVar (database versions not stated): gnomAD exomes 0.00001.
gnomAD v4.1: 11 of 1,545,454 alleles (0.00071%); highest among the groups gnomAD compares: Non-Finnish European, 0.00096%; no homozygotes.

Submissions (2):

Ambry Genetics
Classification: Uncertain significance for Inborn genetic diseases. Last evaluated: 2025-05-05. Review status: criteria provided, single submitter. Criteria: Ambry Variant Classification Scheme 2023. Collection method: clinical testing. Allele origin: germline.

Labcorp Genetics (formerly Invitae), Labcorp
Classification: Uncertain significance. Last evaluated: 2021-02-17. Review status: criteria provided, single submitter. Criteria: Invitae Variant Classification Sherloc (09022015). Collection method: clinical testing. Allele origin: germline.
Comment: In summary, the available evidence is currently insufficient to determine the role of this variant in disease. Therefore, it has been classified as a Variant of Uncertain Significance. The frequency data for this variant in the population databases is considered unreliable, as metrics indicate insufficient coverage at this position in the ExAC database. This variant has not been reported in the literature in individuals with C1QTNF5-related conditions. Algorithms developed to predict the effect of missense changes on protein structure and function are either unavailable or do not agree on the potential impact of this missense change (SIFT: "Tolerated"; PolyPhen-2: "Not Available"; Align-GVGD: "Class C0"). This sequence change replaces valine with aspartic acid at codon 6 of the C1QTNF5 protein (p.Val6Asp). The valine residue is weakly conserved and there is a large physicochemical difference between valine and aspartic acid.

NM_001278431.2(C1QTNF5):c.17T>A (p.Val6Asp)

Genes: C1QTNF5 (C1q and TNF related 5; minus strand), MFRP (membrane frizzled-related protein; minus strand). Cytogenetic location: 11q23.3.
Variant type: single nucleotide variant.
Coding change: c.17T>A on transcript NM_001278431.2 (MANE Select); coding-DNA position 17, T replaced by A.
Protein change: p.Val6Asp; replaces valine 6 with aspartic acid.
Molecular consequence: missense variant. On other transcripts: 3 prime UTR variant (1).
Genome position (GRCh38, 1-based): chr11:119,340,381, A>T on the plus strand (T>A on the coding strand, the complement: C1QTNF5 is on the minus strand). VCF-style: chr11-119340381-A-T. GRCh37 (hg19) VCF-style: chr11-119211091-A-T.
Other names: c.17T>A, p.Val6Asp (NM_015645.5); c.*913T>A (NM_031433.4); c.17T>A (NM_015645.3); short protein forms V6D.
Identifiers: ClinVar variation 1491817 (VCV001491817.9), dbSNP rs1565291596, ClinGen allele CA382971137.